The following is an entry in ClinVar:

ClinVar aggregate classification (germline): Likely pathogenic (1 of 4 stars; one submission).

Submission:

CeGaT Center for Human Genetics Tuebingen
Classification: Likely pathogenic. Last evaluated: 2026-07-01. Review status: criteria provided, single submitter. Criteria: CeGaT Center For Human Genetics Tuebingen Variant Classification Criteria Version 2. Collection method: clinical testing. Allele origin: germline. Affected: yes. Observed: 2 variant alleles.
Comment: TTN: PVS1:Strong, PM2

NM_001267550.2(TTN):c.5292T>A (p.Tyr1764Ter)

Gene: TTN (titin; minus strand). Cytogenetic location: 2q31.2.
Variant type: single nucleotide variant.
Coding change: c.5292T>A on transcript NM_001267550.2 (MANE Select); coding-DNA position 5292, T replaced by A.
Protein change: p.Tyr1764Ter; replaces tyrosine 1764 with a stop codon.
Molecular consequence: nonsense.
Genome position (GRCh38, 1-based): chr2:178,776,572, A>T on the plus strand (T>A on the coding strand, the complement: TTN is on the minus strand). VCF-style: chr2-178776572-A-T. GRCh37 (hg19) VCF-style: chr2-179641299-A-T.
Other names: c.5292T>A, p.Tyr1764Ter (NM_001256850.1, NM_133378.4, NM_133379.5); c.5154T>A, p.Tyr1718Ter (NM_003319.4, NM_133432.3, NM_133437.4); short protein forms Y1718*, Y1764*.
Identifiers: ClinVar variation 5040537 (VCV005040537.1).
Genomic context (GRCh38, chr2:178,776,572, plus strand): 5'-TCCATATTTGTTAGTGGCTCTGCAAGTAATGATACCACTGTCTCTAGAATATGCAACGCC[A>T]TAATCAAGGCTGCAGTACCCAAATTCATTGATCATACGGAGCCTGTTGGCTGCTTCAAGT-3'